The following is an entry in ClinVar:

NM_001378454.1(ALMS1):c.1729C>T (p.His577Tyr)

Gene: ALMS1 (ALMS1 centrosome and basal body associated protein; plus strand). Cytogenetic location: 2p13.1.
Variant type: single nucleotide variant.
Coding change: c.1729C>T on transcript NM_001378454.1 (MANE Select); coding-DNA position 1729, C replaced by T.
Protein change: p.His577Tyr; replaces histidine 577 with tyrosine.
Molecular consequence: missense variant.
Genome position (GRCh38, 1-based): chr2:73,448,256, C>T. VCF-style: chr2-73448256-C-T. GRCh37 (hg19) VCF-style: chr2-73675383-C-T.
Other names: c.1732C>T, p.His578Tyr (NM_015120.4); short protein forms H577Y, H578Y.
Identifiers: ClinVar variation 1477704 (VCV001477704.3), dbSNP rs1671847160, ClinGen allele CA347265249.

ClinVar aggregate classification (germline): Uncertain significance (1 of 4 stars; one submission).

Conditions:
Alstrom syndrome (ALMS). Identifiers: Orphanet 64, MedGen C0268425, MONDO:0008763, OMIM 203800.

Allele frequency attached by ClinVar (database versions not stated): TOPMed 0.00001.
gnomAD v4.1: 5 of 1,613,926 alleles (0.00031%); highest among the groups gnomAD compares: Non-Finnish European, 0.00034%; no homozygotes.

Submission:

Labcorp Genetics (formerly Invitae), Labcorp
Classification: Uncertain significance for Alstrom syndrome. Last evaluated: 2021-10-18. Review status: criteria provided, single submitter. Criteria: Invitae Variant Classification Sherloc (09022015). Collection method: clinical testing. Allele origin: germline.
Comment: This sequence change replaces histidine with tyrosine at codon 578 of the ALMS1 protein (p.His578Tyr). The histidine residue is weakly conserved and there is a moderate physicochemical difference between histidine and tyrosine. This variant is not present in population databases (ExAC no frequency). This variant has not been reported in the literature in individuals affected with ALMS1-related conditions. Experimental studies and prediction algorithms are not available or were not evaluated, and the functional significance of this variant is currently unknown. In summary, the available evidence is currently insufficient to determine the role of this variant in disease. Therefore, it has been classified as a Variant of Uncertain Significance.